The following is an entry in ClinVar:

NM_000548.5(TSC2):c.2967-10C>T

Gene: TSC2 (TSC complex subunit 2; plus strand). Cytogenetic location: 16p13.3.
Variant type: single nucleotide variant.
Coding change: c.2967-10C>T on transcript NM_000548.5 (MANE Select); 10 bases into the intron before coding-DNA position 2967, C replaced by T.
Molecular consequence: intron variant.
Genome position (GRCh38, 1-based): chr16:2,079,022, C>T. VCF-style: chr16-2079022-C-T. GRCh37 (hg19) VCF-style: chr16-2129023-C-T.
Other names: c.2967-10C>T (NM_001114382.3); c.2838-10C>T (NM_021055.3, NM_001370405.1, NM_001363528.2); c.2838-13C>T (NM_001370404.1, NM_001077183.3); c.2727-10C>T (NM_001318827.2); c.2238-13C>T (NM_001318831.2); c.2691-10C>T (NM_001318829.2); c.2871-13C>T (NM_001318832.2).
Identifiers: ClinVar variation 1101193 (VCV001101193.11), dbSNP rs1322718501, ClinGen allele CA718909202.

ClinVar aggregate classification (germline): Likely benign. Review status: criteria provided, multiple submitters, no conflicts (2 of 4 stars). 3 submissions from 3 submitters: Likely benign (3). Last evaluated 2025-05-27.

Conditions:
Tuberous sclerosis syndrome (TSC). Also called: Tuberous Sclerosis Complex; Tuberous sclerosis. Identifiers: Orphanet 805, MedGen C0041341, MONDO:0001734.
Tuberous sclerosis 2 (TSC2). Identifiers: Orphanet 805, MedGen C1860707, MONDO:0013199, OMIM 613254.

Allele frequency attached by ClinVar (database versions not stated): TOPMed below 0.00001; gnomAD 0.00001.
gnomAD v4.1: 2 of 1,612,336 alleles (0.00012%); highest among the groups gnomAD compares: Non-Finnish European, 0.000085%; no homozygotes.

Submissions (3):

Myriad Genetics, Inc.
Classification: Likely benign for Tuberous sclerosis 2. Last evaluated: 2025-05-27. Review status: criteria provided, single submitter. Criteria: Myriad Autosomal Dominant, Autosomal Recessive and X-Linked Classification Criteria (2023). Collection method: clinical testing. Allele origin: unknown.
Comment: This variant is considered likely benign. This variant is intronic and is not expected to impact mRNA splicing.

Labcorp Genetics (formerly Invitae), Labcorp
Classification: Likely benign for Tuberous sclerosis 2. Last evaluated: 2024-07-15. Review status: criteria provided, single submitter. Criteria: Invitae Variant Classification Sherloc (09022015). Collection method: clinical testing. Allele origin: germline.

All of Us Research Program, National Institutes of Health
Classification: Likely benign for Tuberous sclerosis syndrome. Last evaluated: 2023-11-20. Review status: criteria provided, single submitter. Criteria: ACMG Guidelines, 2015. Collection method: clinical testing. Allele origin: germline. Inheritance: Autosomal dominant inheritance. Observed: 2 variant alleles, 2 heterozygotes.
Comment: This study involves interpretation of variants in research participants for the purpose of population health screening. Participant phenotype was not available at the time of variant classification. Additional details can be found in publication PMID: 35346344, PMCID: PMC8962531